The following is an entry in ClinVar:

ClinVar aggregate classification (germline): Uncertain significance. Review status: criteria provided, multiple submitters, no conflicts (2 of 4 stars). 2 submissions from 2 submitters: Uncertain significance (2). Last evaluated 2026-08-24.

Conditions:
Hereditary cancer-predisposing syndrome. Also called: Tumor predisposition; Hereditary Cancer Syndrome; Hereditary neoplastic syndrome; Neoplastic Syndromes, Hereditary. Identifiers: Orphanet 140162, MedGen C0027672, MeSH D009386, MONDO:0015356.
Tuberous sclerosis 1 (TSC1). Identifiers: Orphanet 805, MedGen C1854465, MONDO:0008612, OMIM 191100.

gnomAD v4.1: 1 of 1,608,292 alleles (0.000062%); no homozygotes.

Submissions (2):

Ambry Genetics
Classification: Uncertain significance for Hereditary cancer-predisposing syndrome. Last evaluated: 2026-08-24. Review status: criteria provided, single submitter. Criteria: Ambry Variant Classification Scheme 2023. Collection method: clinical testing. Allele origin: germline.
Comment: The p.Q343L variant (also known as c.1028A>T), located in coding exon 8 of the TSC1 gene, results from an A to T substitution at nucleotide position 1028. The glutamine at codon 343 is replaced by leucine, an amino acid with dissimilar properties. This nucleotide position is highly conserved in available vertebrate species. This amino acid position is highly conserved in available vertebrate species. In silico splice site analysis predicts that this alteration will weaken the native splice donor site; however, direct evidence is insufficient at this time (Ambry internal data). In addition, as a missense, this alteration is predicted to be deleterious by in silico analysis. Based on the available evidence, the clinical significance of this variant remains unclear.

Labcorp Genetics (formerly Invitae), Labcorp
Classification: Uncertain significance for Tuberous sclerosis 1. Last evaluated: 2024-10-22. Review status: criteria provided, single submitter. Criteria: Invitae Variant Classification Sherloc (09022015). Collection method: clinical testing. Allele origin: germline.
Comment: This sequence change replaces glutamine, which is neutral and polar, with leucine, which is neutral and non-polar, at codon 343 of the TSC1 protein (p.Gln343Leu). This variant is not present in population databases (gnomAD no frequency). This variant has not been reported in the literature in individuals affected with TSC1-related conditions. ClinVar contains an entry for this variant (Variation ID: 2139885). Invitae Evidence Modeling of protein sequence and biophysical properties (such as structural, functional, and spatial information, amino acid conservation, physicochemical variation, residue mobility, and thermodynamic stability) indicates that this missense variant is not expected to disrupt TSC1 protein function with a negative predictive value of 95%. Algorithms developed to predict the effect of sequence changes on RNA splicing suggest that this variant may disrupt the consensus splice site. In summary, the available evidence is currently insufficient to determine the role of this variant in disease. Therefore, it has been classified as a Variant of Uncertain Significance.

NM_000368.5(TSC1):c.1028A>T (p.Gln343Leu)

Gene: TSC1 (TSC complex subunit 1; minus strand). Cytogenetic location: 9q34.13.
Variant type: single nucleotide variant.
Coding change: c.1028A>T on transcript NM_000368.5 (MANE Select); coding-DNA position 1028, A replaced by T.
Protein change: p.Gln343Leu; replaces glutamine 343 with leucine.
Molecular consequence: missense variant.
Genome position (GRCh38, 1-based): chr9:132,911,454, T>A on the plus strand (A>T on the coding strand, the complement: TSC1 is on the minus strand). VCF-style: chr9-132911454-T-A. GRCh37 (hg19) VCF-style: chr9-135786841-T-A.
Other names: c.1028A>T, p.Gln343Leu (NM_001162426.2, NM_001406592.1, NM_001406593.1 and 16 more transcripts); c.875A>T, p.Gln292Leu (NM_001162427.2, NM_001406610.1, NM_001406611.1 and 2 more transcripts); c.665A>T, p.Gln222Leu (NM_001362177.2, NM_001406620.1, NM_001406621.1 and 10 more transcripts); c.77A>T, p.Gln26Leu (NM_001406626.1, NM_001406627.1, NM_001406628.1); c.-66A>T (NM_001406629.1, NM_001406630.1); short protein forms Q222L, Q292L, Q26L, Q343L.
Identifiers: ClinVar variation 2139885 (VCV002139885.6), dbSNP rs2538863692, ClinGen allele CA375368390.